The following is an entry in ClinVar:

ClinVar aggregate classification (germline): Conflicting classifications of pathogenicity. Review status: criteria provided, conflicting classifications (1 of 4 stars). 2 submissions from 2 submitters: Uncertain significance (1); Likely benign (1). Last evaluated 2024-01-22.

Conditions:
Cardiovascular phenotype. Identifiers: MedGen CN230736.

Allele frequency attached by ClinVar (database versions not stated): gnomAD exomes 0.00003; TOPMed 0.00003; ExAC 0.00004; gnomAD 0.00005.
gnomAD v4.1: 44 of 1,609,352 alleles (0.0027%); highest among the groups gnomAD compares: South Asian, 0.0066%; 1 homozygote.

Submissions (2):

Ambry Genetics
Classification: Likely benign for Cardiovascular phenotype. Last evaluated: 2024-01-22. Review status: criteria provided, single submitter. Criteria: Ambry Variant Classification Scheme 2023. Collection method: clinical testing. Allele origin: germline.

GeneDx
Classification: Uncertain significance. Last evaluated: 2019-09-12. Review status: criteria provided, single submitter. Criteria: GeneDx Variant Classification Process June 2021. Collection method: clinical testing. Allele origin: germline. Affected: yes.
Comment: Has not been previously published as pathogenic or benign to our knowledge; In silico analysis, which includes protein predictors and evolutionary conservation, supports a deleterious effect

NM_001365276.2(TNXB):c.4649G>A (p.Arg1550His)

Gene: TNXB (tenascin XB; minus strand). Cytogenetic location: 6p21.33.
Variant type: single nucleotide variant.
Coding change: c.4649G>A on transcript NM_001365276.2 (MANE Select); coding-DNA position 4649, G replaced by A.
Protein change: p.Arg1550His; replaces arginine 1550 with histidine.
Molecular consequence: missense variant.
Genome position (GRCh38, 1-based): chr6:32,073,679, C>T on the plus strand (G>A on the coding strand, the complement: TNXB is on the minus strand). VCF-style: chr6-32073679-C-T. GRCh37 (hg19) VCF-style: chr6-32041456-C-T.
Other names: c.4649G>A, p.Arg1550His (NM_019105.8); short protein forms R1550H.
Identifiers: ClinVar variation 1207938 (VCV001207938.4), dbSNP rs763075781, ClinGen allele CA3734917.